The following is an entry in ClinVar:

ClinVar aggregate classification (germline): Uncertain significance (1 of 4 stars; one submission).

Conditions:
Aicardi-Goutieres syndrome 4. Identifiers: Orphanet 51, MedGen C1835912, MONDO:0012472, OMIM 610333.

Allele frequency attached by ClinVar (database versions not stated): gnomAD exomes below 0.00001.
gnomAD v4.1: 1 of 1,613,960 alleles (0.000062%); highest among the groups gnomAD compares: Admixed American, 0.0017%; no homozygotes.

Submission:

Labcorp Genetics (formerly Invitae), Labcorp
Classification: Uncertain significance for Aicardi-Goutieres syndrome 4. Last evaluated: 2022-07-25. Review status: criteria provided, single submitter. Criteria: Invitae Variant Classification Sherloc (09022015). Collection method: clinical testing. Allele origin: germline.
Comment: This sequence change replaces glutamic acid, which is acidic and polar, with valine, which is neutral and non-polar, at codon 290 of the RNASEH2A protein (p.Glu290Val). This variant is present in population databases (no rsID available, gnomAD 0.003%). This variant has not been reported in the literature in individuals affected with RNASEH2A-related conditions. ClinVar contains an entry for this variant (Variation ID: 1422856). Algorithms developed to predict the effect of missense changes on protein structure and function are either unavailable or do not agree on the potential impact of this missense change (SIFT: "Deleterious"; PolyPhen-2: "Probably Damaging"; Align-GVGD: "Class C0"). Algorithms developed to predict the effect of sequence changes on RNA splicing suggest that this variant may create or strengthen a splice site. In summary, the available evidence is currently insufficient to determine the role of this variant in disease. Therefore, it has been classified as a Variant of Uncertain Significance.

NM_006397.3(RNASEH2A):c.869A>T (p.Glu290Val)

Gene: RNASEH2A (ribonuclease H2 subunit A; plus strand). Cytogenetic location: 19p13.13.
Variant type: single nucleotide variant.
Coding change: c.869A>T on transcript NM_006397.3 (MANE Select); coding-DNA position 869, A replaced by T.
Protein change: p.Glu290Val; replaces glutamic acid 290 with valine.
Molecular consequence: missense variant.
Genome position (GRCh38, 1-based): chr19:12,813,435, A>T. VCF-style: chr19-12813435-A-T. GRCh37 (hg19) VCF-style: chr19-12924249-A-T.
Other names: short protein forms E290V.
Identifiers: ClinVar variation 1422856 (VCV001422856.3), dbSNP rs1425963270, ClinGen allele CA404270001.